The following is an entry in ClinVar:

ClinVar aggregate classification (germline): Uncertain significance (1 of 4 stars; one submission).

Submission:

Dasa
Classification: Uncertain significance. Last evaluated: 2025-12-31. Review status: criteria provided, single submitter. Criteria: DASA Assertion Criteria. Collection method: clinical testing. Allele origin: germline.
Comment: NM_001267550.2(TTN):c.36001T>A (p.Phe12001Ile) is a missense variant that results in the substitution of phenylalanine with isoleucine. This variant is rare in population databases. Computational prediction algorithms are consistent with a benign effect. The currently available literature and clinical evidence are not sufficient to establish a definitive association between this variant and the reported condition. Therefore, this variant is classified as a variant of uncertain significance.

NM_001267550.2(TTN):c.36001T>A (p.Phe12001Ile)

Gene: TTN (titin; minus strand). Cytogenetic location: 2q31.2.
Variant type: single nucleotide variant.
Coding change: c.36001T>A on transcript NM_001267550.2 (MANE Select); coding-DNA position 36001, T replaced by A.
Protein change: p.Phe12001Ile; replaces phenylalanine 12001 with isoleucine.
Molecular consequence: missense variant. On other transcripts: intron variant (5).
Genome position (GRCh38, 1-based): chr2:178,665,419, A>T on the plus strand (T>A on the coding strand, the complement: TTN is on the minus strand). VCF-style: chr2-178665419-A-T. GRCh37 (hg19) VCF-style: chr2-179530146-A-T.
Other names: c.13283-23102T>A (NM_003319.4); c.13859-23102T>A (NM_133437.4); c.13658-23102T>A (NM_133432.3); c.31484-2364T>A (NM_133378.4); c.34265-2364T>A (NM_001256850.1); short protein forms F12001I.
Identifiers: ClinVar variation 4881963 (VCV004881963.2).
Genomic context (GRCh38, chr2:178,665,419, plus strand): 5'-TGTTCAGAGGTAACGTACTTTTCATACGTGGAGTTTCTGGCTCTTCAGGTACATCCTCAA[A>T]TATTTTCATTTCAGGGACAACTTCTTTCATAGCTTCTGGTGCTTTGAAGATATTAGTATT-3'
Protein context (NP_001254479.2, residues 11991-12011): MKEVVPEMKI[Phe12001Ile]EDVPEEPETP